The following is an entry in ClinVar:

NM_152419.3(HGSNAT):c.727G>A (p.Val243Met)

Gene: HGSNAT (heparan-alpha-glucosaminide N-acetyltransferase; plus strand). Cytogenetic location: 8p11.21.
Variant type: single nucleotide variant.
Coding change: c.727G>A on transcript NM_152419.3 (MANE Select); coding-DNA position 727, G replaced by A.
Protein change: p.Val243Met; replaces valine 243 with methionine.
Molecular consequence: missense variant. On other transcripts: 5 prime UTR variant (1).
Genome position (GRCh38, 1-based): chr8:43,170,678, G>A. VCF-style: chr8-43170678-G-A. GRCh37 (hg19) VCF-style: chr8-43025821-G-A.
Other names: c.727G>A, p.Val243Met (NM_001363227.2, NM_001363228.2); c.-107G>A (NM_001363229.2); c.727G>A (NM_152419.2); short protein forms V243M.
Identifiers: ClinVar variation 2201122 (VCV002201122.3), dbSNP rs373469974, ClinGen allele CA4736597.

ClinVar aggregate classification (germline): Uncertain significance. Review status: criteria provided, multiple submitters, no conflicts (2 of 4 stars). 3 submissions from 3 submitters: Uncertain significance (3). Last evaluated 2025-10-23.

Conditions:
Inborn genetic diseases. Identifiers: MedGen C0950123, MeSH D030342.
Retinitis pigmentosa 73 (RP73). Identifiers: Orphanet 791, MedGen C4225287, MONDO:0014687, OMIM 616544.
Mucopolysaccharidosis, MPS-III-C (MPS3C). Also called: SANFILIPPO SYNDROME C; MPS III C; MUCOPOLYSACCHARIDOSIS, TYPE IIIC; Mucopolysaccharidosis type IIIC (Sanfilippo C); mucopolysaccharidosis type 3C; MPS IIIC (Sanfilippo Syndrome Type C). Identifiers: Orphanet 581, Orphanet 79271, MedGen C0086649, MONDO:0009657, OMIM 252930.

Allele frequency attached by ClinVar (database versions not stated): gnomAD 0.00001; TOPMed 0.00001; gnomAD exomes 0.00002; ExAC 0.00008; ESP Exome Variant Server 0.00008.
gnomAD v4.1: 32 of 1,602,184 alleles (0.002%); highest among the groups gnomAD compares: South Asian, 0.0056%; no homozygotes.

Submissions (3):

Ambry Genetics
Classification: Uncertain significance for Inborn genetic diseases. Last evaluated: 2025-10-23. Review status: criteria provided, single submitter. Criteria: Ambry Variant Classification Scheme 2023. Collection method: clinical testing. Allele origin: germline.

Blueprint Genetics
Classification: Uncertain significance. Last evaluated: 2024-06-24. Review status: criteria provided, single submitter. Criteria: ACMG Guidelines, 2015. Collection method: clinical testing. Allele origin: germline.

Labcorp Genetics (formerly Invitae), Labcorp
Classification: Uncertain significance for Retinitis pigmentosa 73; Mucopolysaccharidosis, MPS-III-C. Last evaluated: 2022-07-29. Review status: criteria provided, single submitter. Criteria: Invitae Variant Classification Sherloc (09022015). Collection method: clinical testing. Allele origin: germline.
Comment: This sequence change replaces valine, which is neutral and non-polar, with methionine, which is neutral and non-polar, at codon 243 of the HGSNAT protein (p.Val243Met). The frequency data for this variant in the population databases is considered unreliable, as metrics indicate poor data quality at this position in the gnomAD database. This variant has not been reported in the literature in individuals affected with HGSNAT-related conditions. Algorithms developed to predict the effect of missense changes on protein structure and function are either unavailable or do not agree on the potential impact of this missense change (SIFT: "Tolerated"; PolyPhen-2: "Possibly Damaging"; Align-GVGD: "Class C0"). In summary, the available evidence is currently insufficient to determine the role of this variant in disease. Therefore, it has been classified as a Variant of Uncertain Significance.